The following is an entry in ClinVar:

ClinVar aggregate classification (germline): Uncertain significance (1 of 4 stars; one submission).

Submission:

Labcorp Genetics (formerly Invitae), Labcorp
Classification: Uncertain significance. Last evaluated: 2025-08-29. Review status: criteria provided, single submitter. Criteria: Invitae Variant Classification Sherloc (09022015). Collection method: clinical testing. Allele origin: germline.
Comment: This sequence change falls in intron 24 of the RIMS1 gene. It does not directly change the encoded amino acid sequence of the RIMS1 protein. It affects a nucleotide within the consensus splice site. This variant is present in population databases (rs747035590, gnomAD 0.03%). This variant has not been reported in the literature in individuals affected with RIMS1-related conditions. ClinVar contains an entry for this variant (Variation ID: 2895883). Variants that disrupt the consensus splice site are a relatively common cause of aberrant splicing (PMID: 17576681, 9536098). Algorithms developed to predict the effect of sequence changes on RNA splicing suggest that this variant is not likely to affect RNA splicing. In summary, the available evidence is currently insufficient to determine the role of this variant in disease. Therefore, it has been classified as a Variant of Uncertain Significance.

Literature cited by the submitters: PubMed 17576681; PubMed 9536098.

NM_014989.7(RIMS1):c.3554+6_3554+10del

Gene: RIMS1 (regulating synaptic membrane exocytosis 1; plus strand). Cytogenetic location: 6q13.
Variant type: Deletion.
Coding change: c.3554+6_3554+10del on transcript NM_014989.7 (MANE Select); bases 6 to 10 of the intron after coding-DNA position 3554, 5 bases deleted (CTTGG; older notation c.3554+6_3554+10delCTTGG).
Molecular consequence: intron variant.
Genome position (GRCh38, 1-based): chr6:72,284,124-72,284,128, CTTGG deleted; deleting any 5 consecutive bases within chr6:72,284,122-72,284,128 gives the same sequence; the c. name uses the placement nearest the transcript's 3' end. VCF-style (leftmost placement, unchanged base first): chr6-72284121-AGGCTT-A. GRCh37 (hg19) VCF-style: chr6-72993824-AGGCTT-A.
Other names: c.1631+6_1631+10del (NM_001350428.2); c.1560-7810_1560-7806del (NM_001350459.2, NM_001350424.2); c.1641-7810_1641-7806del (NM_001350437.2); c.1628+6_1628+10del (NM_001350430.2); c.1557-7810_1557-7806del (NM_001350421.2, NM_001350450.2); c.1707-7810_1707-7806del (NM_001350458.2); c.1784+6_1784+10del (NM_001350433.2); c.1700+6_1700+10del (NM_001350446.2, NM_001350442.2, NM_001350416.2 and 2 more transcripts); and 30 more.
Identifiers: ClinVar variation 2895883 (VCV002895883.3), dbSNP rs747035590, ClinGen allele CA3886282.